The following is an entry in ClinVar:

NM_001165963.4(SCN1A):c.830G>A (p.Cys277Tyr)

Gene: SCN1A (sodium voltage-gated channel alpha subunit 1; minus strand). Cytogenetic location: 2q24.3.
Variant type: single nucleotide variant.
Coding change: c.830G>A on transcript NM_001165963.4 (MANE Select); coding-DNA position 830, G replaced by A.
Protein change: p.Cys277Tyr; replaces cysteine 277 with tyrosine.
Molecular consequence: missense variant. On other transcripts: 5 prime UTR variant (1), non-coding transcript variant (1).
Genome position (GRCh38, 1-based): chr2:166,051,853, C>T on the plus strand (G>A on the coding strand, the complement: SCN1A is on the minus strand). VCF-style: chr2-166051853-C-T. GRCh37 (hg19) VCF-style: chr2-166908363-C-T.
Other names: c.830G>A, p.Cys277Tyr (NM_001165964.3, NM_001202435.3, NM_001353948.2 and 10 more transcripts); c.-1596G>A (NM_001353961.2); short protein forms C277Y.
Identifiers: ClinVar variation 801817 (VCV000801817.14), dbSNP rs1574264920, ClinGen allele CA349073101.

ClinVar aggregate classification (germline): Pathogenic/Likely pathogenic. Review status: criteria provided, multiple submitters, no conflicts (2 of 4 stars). 2 submissions from 2 submitters: Pathogenic (1); Likely pathogenic (1). Last evaluated 2025-08-21.

Conditions:
Severe myoclonic epilepsy in infancy (DRVT). Also called: DEVELOPMENTAL AND EPILEPTIC ENCEPHALOPATHY 6A; Severe Myoclonic Epilepsy in Infancy (SMEI); Dravet syndrome; Epileptic encephalopathy, early infantile, 6 (Dravet syndrome); SEVERE MYOCLONIC EPILEPSY OF INFANCY. Identifiers: Orphanet 33069, MedGen C0751122, MONDO:0100135, OMIM 607208.
Early-infantile DEE. Also called: Early infantile epileptic encephalopathy; Ohtahara syndrome; Early infantile epileptic encephalopathy with suppression bursts. Identifiers: Orphanet 1934, MedGen C0393706, MONDO:0800491.

Submissions (2):

Labcorp Genetics (formerly Invitae), Labcorp
Classification: Pathogenic for Early-infantile DEE. Last evaluated: 2025-08-21. Review status: criteria provided, single submitter. Criteria: Invitae Variant Classification Sherloc (09022015). Collection method: clinical testing. Allele origin: germline.
Comment: This sequence change replaces cysteine, which is neutral and slightly polar, with tyrosine, which is neutral and polar, at codon 277 of the SCN1A protein (p.Cys277Tyr). This variant is not present in population databases (gnomAD no frequency). This missense change has been observed in individual(s) with clinical features of early infantile epileptic encephalopathy and/or Dravet syndrome (PMID: 35074891; internal data). ClinVar contains an entry for this variant (Variation ID: 801817). Invitae Evidence Modeling of protein sequence and biophysical properties (such as structural, functional, and spatial information, amino acid conservation, physicochemical variation, residue mobility, and thermodynamic stability) indicates that this missense variant is expected to disrupt SCN1A protein function with a positive predictive value of 95%. This variant disrupts the p.Cys277 amino acid residue in SCN1A. Other variant(s) that disrupt this residue have been determined to be pathogenic (PMID: 18930999). This suggests that this residue is clinically significant, and that variants that disrupt this residue are likely to be disease-causing. For these reasons, this variant has been classified as Pathogenic.

Mendelics
Classification: Likely pathogenic for Severe myoclonic epilepsy in infancy. Last evaluated: 2019-05-28. Review status: criteria provided, single submitter. Criteria: Mendelics Assertion Criteria 2017. Collection method: clinical testing. Allele origin: unknown.

Literature cited by the submitters: PubMed 35074891 (cited by Labcorp Genetics (formerly Invitae), Labcorp); PubMed 18930999 (cited by Labcorp Genetics (formerly Invitae), Labcorp).